The following is an entry in ClinVar:

NM_007294.4(BRCA1):c.2437_2450del (p.Gly813fs)

Gene: BRCA1 (BRCA1 DNA repair associated; minus strand). Cytogenetic location: 17q21.31.
Variant type: Deletion.
Coding change: c.2437_2450del on transcript NM_007294.4 (MANE Select); coding-DNA positions 2437 to 2450, 14 bases deleted (GGACTAATTCATGG).
Protein change: p.Gly813fs; shifts the reading frame from glycine 813.
Molecular consequence: frameshift variant. On other transcripts: intron variant (137).
Genome position (GRCh38, 1-based): chr17:43,093,081-43,093,094, CCATGAATTAGTCC deleted on the plus strand (GGACTAATTCATGG on the coding strand, the reverse complement: BRCA1 is on the minus strand); deleting any 14 consecutive bases within chr17:43,093,081-43,093,095 gives the same sequence; the c. name uses the placement nearest the transcript's 3' end. VCF-style (leftmost placement, unchanged base first): chr17-43093080-ACCATGAATTAGTCC-A. GRCh37 (hg19) VCF-style: chr17-41245097-ACCATGAATTAGTCC-A.
Other names: c.2293_2306del, p.Gly765fs (NM_001407742.1, NM_001407743.1, NM_001407744.1 and 20 more transcripts); c.2224_2237del, p.Gly742fs (NM_001407571.1, NM_001407853.1, NM_001407894.1 and 9 more transcripts); c.2437_2450del, p.Gly813fs (NM_001407581.1, NM_001407582.1, NM_001407583.1 and 30 more transcripts); c.2434_2447del, p.Gly812fs (NM_001407587.1, NM_001407590.1, NM_001407591.1 and 22 more transcripts); c.2428_2441del, p.Gly810fs (NM_001407646.1, NM_001407647.1); c.2314_2327del, p.Gly772fs (NM_001407648.1, NM_001407664.1, NM_001407665.1 and 19 more transcripts); c.2311_2324del, p.Gly771fs (NM_001407649.1, NM_001407670.1, NM_001407671.1 and 11 more transcripts); c.2359_2372del, p.Gly787fs (NM_001407653.1, NM_001407654.1, NM_001407655.1 and 4 more transcripts); and 42 more; short protein forms G766fs, G813fs, G685fs, G701fs, G743fs, G771fs, G772fs, G810fs.
Identifiers: ClinVar variation 842645 (VCV000842645.9), dbSNP rs2053758543, ClinGen allele CA916080201.

ClinVar aggregate classification (germline): Pathogenic (1 of 4 stars; one submission).

Conditions:
Hereditary breast ovarian cancer syndrome. Also called: Breast and ovarian cancer; Hereditary breast and ovarian cancer syndrome; Hereditary breast and ovarian cancer syndrome (HBOC); BRCA1- and BRCA2-Associated Hereditary Breast and Ovarian Cancer; Hereditary breast and ovarian cancer; Hereditary breast and/or ovarian cancer syndrome. Identifiers: Orphanet 145, MedGen C0677776, MeSH D061325, MONDO:0003582. Disease mechanism: loss of function.

Submission:

Labcorp Genetics (formerly Invitae), Labcorp
Classification: Pathogenic for Hereditary breast ovarian cancer syndrome. Last evaluated: 2019-01-25. Review status: criteria provided, single submitter. Criteria: Invitae Variant Classification Sherloc (09022015). Collection method: clinical testing. Allele origin: germline.
Comment: This sequence change creates a premature translational stop signal (p.Gly813Leufs*5) in the BRCA1 gene. It is expected to result in an absent or disrupted protein product. This variant is not present in population databases (ExAC no frequency). This variant has not been reported in the literature in individuals with BRCA1-related conditions. Loss-of-function variants in BRCA1 are known to be pathogenic (PMID: 20104584). For these reasons, this variant has been classified as Pathogenic.

Literature cited by the submitters: PubMed 20104584.